The following is an entry in ClinVar:

NM_003193.5(TBCE):c.433A>T (p.Lys145Ter)

Gene: TBCE (tubulin folding cofactor E; plus strand). Cytogenetic location: 1q42.3.
Variant type: single nucleotide variant.
Coding change: c.433A>T on transcript NM_003193.5 (MANE Select); coding-DNA position 433, A replaced by T.
Protein change: p.Lys145Ter; replaces lysine 145 with a stop codon.
Molecular consequence: nonsense.
Genome position (GRCh38, 1-based): chr1:235,419,534, A>T. VCF-style: chr1-235419534-A-T. GRCh37 (hg19) VCF-style: chr1-235582849-A-T.
Other names: c.433A>T, p.Lys145Ter (NM_001079515.3, NM_001287801.2); c.94A>T, p.Lys32Ter (NM_001287802.2); short protein forms K145*, K32*.
Identifiers: ClinVar variation 2743364 (VCV002743364.4), dbSNP rs1329466833, ClinGen allele CA344926320.

ClinVar aggregate classification (germline): Pathogenic/Likely pathogenic. Review status: criteria provided, multiple submitters, no conflicts (2 of 4 stars). 2 submissions from 2 submitters: Pathogenic (1); Likely pathogenic (1). Last evaluated 2024-05-03.

Conditions:
Autosomal recessive Kenny-Caffey syndrome (KCS1). Identifiers: Orphanet 2333, Orphanet 93324, MedGen C1855648, MONDO:0009486, OMIM 244460.
Encephalopathy, progressive, with amyotrophy and optic atrophy (PEAMO). Identifiers: MedGen C4310667, MONDO:0014968, OMIM 617207.
Hypoparathyroidism-retardation-dysmorphism syndrome (HRDS). Also called: SANJAD-SAKATI SYNDROME. Identifiers: Orphanet 2323, MedGen C1855840, MONDO:0009426, OMIM 241410.

Submissions (2):

Fulgent Genetics
Classification: Likely pathogenic for Hypoparathyroidism-retardation-dysmorphism syndrome; Autosomal recessive Kenny-Caffey syndrome; Encephalopathy, progressive, with amyotrophy and optic atrophy. Last evaluated: 2024-05-03. Review status: criteria provided, single submitter. Criteria: ACMG Guidelines, 2015. Collection method: clinical testing. Allele origin: germline.

Labcorp Genetics (formerly Invitae), Labcorp
Classification: Pathogenic. Last evaluated: 2023-07-14. Review status: criteria provided, single submitter. Criteria: Invitae Variant Classification Sherloc (09022015). Collection method: clinical testing. Allele origin: germline.
Comment: For these reasons, this variant has been classified as Pathogenic. This variant has not been reported in the literature in individuals affected with TBCE-related conditions. This variant is not present in population databases (gnomAD no frequency). This sequence change creates a premature translational stop signal (p.Lys145*) in the TBCE gene. It is expected to result in an absent or disrupted protein product. Loss-of-function variants in TBCE are known to be pathogenic (PMID: 27666369, 34134906, 34356170).

Literature cited by the submitters: PubMed 27666369 (cited by Labcorp Genetics (formerly Invitae), Labcorp); PubMed 34134906 (cited by Labcorp Genetics (formerly Invitae), Labcorp); PubMed 34356170 (cited by Labcorp Genetics (formerly Invitae), Labcorp).